The following is an entry in ClinVar:

ClinVar aggregate classification (germline): Likely benign. Review status: criteria provided, multiple submitters, no conflicts (2 of 4 stars). 2 submissions from 2 submitters: Likely benign (2). Last evaluated 2025-05-01.

Conditions:
Ullrich congenital muscular dystrophy 2 (UCMD2). Identifiers: Orphanet 75840, MedGen C4225314, MONDO:0014654, OMIM 616470.
Bethlem myopathy 2 (BTHLM2). Identifiers: Orphanet 536516, Orphanet 610, MedGen C4225313, MONDO:0034022, OMIM 616471.

Allele frequency attached by ClinVar (database versions not stated): gnomAD exomes below 0.00001 and 0.00001; ExAC 0.00001.
gnomAD v4.1: 3 of 1,614,022 alleles (0.00019%); highest among the groups gnomAD compares: South Asian, 0.0011%; no homozygotes.

Submissions (2):

Mayo Clinic Laboratories, Mayo Clinic
Classification: Likely benign. Last evaluated: 2025-05-01. Review status: criteria provided, single submitter. Criteria: ACMG Guidelines, 2015. Collection method: clinical testing. Allele origin: germline. Observed: 1 variant allele.
Comment: BP4, BP7

Labcorp Genetics (formerly Invitae), Labcorp
Classification: Likely benign for Bethlem myopathy 2; Ullrich congenital muscular dystrophy 2. Last evaluated: 2025-02-03. Review status: criteria provided, single submitter. Criteria: Invitae Variant Classification Sherloc (09022015). Collection method: clinical testing. Allele origin: germline.

NM_004370.6(COL12A1):c.7269G>A (p.Lys2423=)

Genes: COL12A1 (collagen type XII alpha 1 chain; minus strand), LOC126859712 (MED14-independent group 3 enhancer GRCh37_chr6:75828643-75829842; plus strand). Cytogenetic location: 6q13.
Variant type: single nucleotide variant.
Coding change: c.7269G>A on transcript NM_004370.6 (MANE Select); coding-DNA position 7269, G replaced by A.
Protein change: p.Lys2423=; no amino-acid change (lysine 2423 retained).
Molecular consequence: synonymous variant.
Genome position (GRCh38, 1-based): chr6:75,119,128, C>T on the plus strand (G>A on the coding strand, the complement: COL12A1 is on the minus strand). VCF-style: chr6-75119128-C-T. GRCh37 (hg19) VCF-style: chr6-75828844-C-T.
Other names: p.Lys2423=; c.3777G>A, p.Lys1259= (NM_080645.3).
Identifiers: ClinVar variation 475894 (VCV000475894.10), dbSNP rs776372586, ClinGen allele CA3892608.